The following is an entry in ClinVar:

NM_014264.5(PLK4):c.84A>T (p.Arg28Ser)

Gene: PLK4 (polo like kinase 4; plus strand). Cytogenetic location: 4q28.1.
Variant type: single nucleotide variant.
Coding change: c.84A>T on transcript NM_014264.5 (MANE Select); coding-DNA position 84, A replaced by T.
Protein change: p.Arg28Ser; replaces arginine 28 with serine.
Molecular consequence: missense variant. On other transcripts: 5 prime UTR variant (1).
Genome position (GRCh38, 1-based): chr4:127,881,884, A>T. VCF-style: chr4-127881884-A-T. GRCh37 (hg19) VCF-style: chr4-128803039-A-T.
Other names: c.84A>T, p.Arg28Ser (NM_001190799.2); c.-40A>T (NM_001190801.2); c.84A>T (NM_014264.4); short protein forms R28S.
Identifiers: ClinVar variation 1462765 (VCV001462765.6), dbSNP rs756460506, ClinGen allele CA3076481.
Genomic context (GRCh38, chr4:127,881,884, plus strand): 5'-TTTTAAGGATTTTAAAGTTGGAAATCTGCTTGGTAAAGGATCATTTGCTGGTGTCTACAG[A>T]GCTGAGTCCATTCACACTGGTTTGGAAGTTGCAATCAAAATGGTAAGAATAAACTAATCA-3'
Protein context (NP_055079.3, residues 18-38): LGKGSFAGVY[Arg28Ser]AESIHTGLEV

ClinVar aggregate classification (germline): Uncertain significance. Review status: criteria provided, multiple submitters, no conflicts (2 of 4 stars). 2 submissions from 2 submitters: Uncertain significance (2). Last evaluated 2024-07-02.

Conditions:
Inborn genetic diseases. Identifiers: MedGen C0950123, MeSH D030342.

Allele frequency attached by ClinVar (database versions not stated): gnomAD exomes below 0.00001; ExAC 0.00001.
gnomAD v4.1: 6 of 1,609,762 alleles (0.00037%); highest among the groups gnomAD compares: Non-Finnish European, 0.00051%; no homozygotes.

Submissions (2):

Ambry Genetics
Classification: Uncertain significance for Inborn genetic diseases. Last evaluated: 2024-07-02. Review status: criteria provided, single submitter. Criteria: Ambry Variant Classification Scheme 2023. Collection method: clinical testing. Allele origin: germline.

Labcorp Genetics (formerly Invitae), Labcorp
Classification: Uncertain significance. Last evaluated: 2022-08-15. Review status: criteria provided, single submitter. Criteria: Invitae Variant Classification Sherloc (09022015). Collection method: clinical testing. Allele origin: germline.
Comment: This sequence change replaces arginine, which is basic and polar, with serine, which is neutral and polar, at codon 28 of the PLK4 protein (p.Arg28Ser). This variant is present in population databases (rs756460506, gnomAD 0.0009%). This variant has not been reported in the literature in individuals affected with PLK4-related conditions. ClinVar contains an entry for this variant (Variation ID: 1462765). Algorithms developed to predict the effect of missense changes on protein structure and function (SIFT, PolyPhen-2, Align-GVGD) all suggest that this variant is likely to be disruptive. In summary, the available evidence is currently insufficient to determine the role of this variant in disease. Therefore, it has been classified as a Variant of Uncertain Significance.